The following is an entry in ClinVar:

ClinVar aggregate classification (germline): Pathogenic (0 of 4 stars; one submission).

Conditions:
Cholestanol storage disease (CTX). Also called: CEREBRAL CHOLESTERINOSIS; Cerebrotendinous Xanthomatosis; CTX: Cerebrotendinous xanthomatosis. Identifiers: Orphanet 909, MedGen C0238052, MONDO:0008948, OMIM 213700.

Submission:

GeneReviews
Classification: Pathogenic for Cerebrotendinous Xanthomatosis. Last evaluated: 2013-08-01. Review status: no assertion criteria provided. Collection method: curation. Allele origin: unknown.
ClinVar note: Converted during submission from pathologic to Pathogenic.

c.1263+81_1596+?del

Variant type: Deletion.
Identifiers: ClinVar variation 65842 (VCV000065842.3).